The following is an entry in ClinVar:

NM_007055.4(POLR3A):c.837G>A (p.Leu279=)

Gene: POLR3A (RNA polymerase III subunit A; minus strand). Cytogenetic location: 10q22.3.
Variant type: single nucleotide variant.
Coding change: c.837G>A on transcript NM_007055.4 (MANE Select); coding-DNA position 837, G replaced by A.
Protein change: p.Leu279=; no amino-acid change (leucine 279 retained).
Molecular consequence: synonymous variant.
Genome position (GRCh38, 1-based): chr10:78,022,193, C>T on the plus strand (G>A on the coding strand, the complement: POLR3A is on the minus strand). VCF-style: chr10-78022193-C-T. GRCh37 (hg19) VCF-style: chr10-79781951-C-T.
Identifiers: ClinVar variation 1627186 (VCV001627186.17), dbSNP rs757340842, ClinGen allele CA5571602.

ClinVar aggregate classification (germline): Benign/Likely benign. Review status: criteria provided, multiple submitters, no conflicts (2 of 4 stars). 4 submissions from 4 submitters: Benign (1); Likely benign (3). Last evaluated 2025-12-30.

Allele frequency attached by ClinVar (database versions not stated): gnomAD exomes 0.00003 and 0.00004; ExAC 0.00005; gnomAD 0.00011 and 0.00012; TOPMed 0.00003.
gnomAD v4.1: 75 of 1,614,006 alleles (0.0046%); highest among the groups gnomAD compares: Non-Finnish European, 0.006%; no homozygotes.

Submissions (4):

Labcorp Genetics (formerly Invitae), Labcorp
Classification: Likely benign. Last evaluated: 2025-12-30. Review status: criteria provided, single submitter. Criteria: Invitae Variant Classification Sherloc (09022015). Collection method: clinical testing. Allele origin: germline.

CeGaT Center for Human Genetics Tuebingen
Classification: Likely benign. Last evaluated: 2025-09-01. Review status: criteria provided, single submitter. Criteria: CeGaT Center For Human Genetics Tuebingen Variant Classification Criteria Version 2. Collection method: clinical testing. Allele origin: germline. Affected: yes. Observed: 1 variant allele.
Comment: POLR3A: BP4, BP7

Laboratory of Genetics, Children's Clinical University Hospital Latvia
Classification: Benign. Last evaluated: 2025-02-16. Review status: criteria provided, single submitter. Criteria: ACMG Guidelines, 2015. Collection method: clinical testing. Allele origin: germline. Affected: yes.

Blueprint Genetics
Classification: Likely benign. Last evaluated: 2024-08-14. Review status: criteria provided, single submitter. Criteria: ACMG Guidelines, 2015. Collection method: clinical testing. Allele origin: germline.